The following is an entry in ClinVar:

ClinVar aggregate classification (germline): Pathogenic/Likely pathogenic. Review status: criteria provided, multiple submitters, no conflicts (2 of 4 stars). 4 submissions from 4 submitters: Pathogenic (1); Likely pathogenic (2). 1 of the submissions does not count toward it. Last evaluated 2025-12-03.

Conditions:
RPGRIP1L-related disorder. Also called: RPGRIP1L-related disorders; RPGRIP1L-related condition. Identifiers: MedGen CN239416.
Meckel-Gruber syndrome. Also called: DYSENCEPHALIA SPLANCHNOCYSTICA; GRUBER SYNDROME; Dysencephalia splachnocystica. Identifiers: Orphanet 564, MedGen C0265215, MONDO:0018921.
Joubert syndrome. Also called: Familial aplasia of the vermis; JOUBERT-BOLTSHAUSER SYNDROME. Identifiers: Orphanet 475, MedGen C5979921, MONDO:0018772.

Submissions (4):

PreventionGenetics, part of Exact Sciences
Classification: Likely pathogenic for RPGRIP1L-related condition. Last evaluated: 2025-12-03. Review status: criteria provided, single submitter. Criteria: ACMG Guidelines, 2015. Collection method: clinical testing. Allele origin: germline.
Comment: The RPGRIP1L c.632T>A variant is predicted to result in premature protein termination (p.Leu211*). To our knowledge, this variant has not been reported in the literature or in a large population database (gnomAD), indicating this variant is rare. Nonsense variants in RPGRIP1L are expected to be pathogenic. This variant is interpreted as likely pathogenic.

Labcorp Genetics (formerly Invitae), Labcorp
Classification: Pathogenic for Joubert syndrome; Meckel-Gruber syndrome. Last evaluated: 2023-03-07. Review status: criteria provided, single submitter. Criteria: Invitae Variant Classification Sherloc (09022015). Collection method: clinical testing. Allele origin: germline.
Comment: This variant has not been reported in the literature in individuals affected with RPGRIP1L-related conditions. ClinVar contains an entry for this variant (Variation ID: 1983613). For these reasons, this variant has been classified as Pathogenic. This variant is not present in population databases (gnomAD no frequency). This sequence change creates a premature translational stop signal (p.Leu211*) in the RPGRIP1L gene. It is expected to result in an absent or disrupted protein product. Loss-of-function variants in RPGRIP1L are known to be pathogenic (PMID: 17558409).

Blueprint Genetics
Classification: Likely pathogenic for RPGRIP1L-related disorders. Last evaluated: 2022-04-22. Review status: criteria provided, single submitter. Criteria: ACMG Guidelines, 2015. Collection method: clinical testing. Allele origin: germline. Affected: yes. Observed: 1 variant allele.

Genetic Services Laboratory, University of Chicago
Classification: Likely pathogenic. Last evaluated: 2022-05-23. Review status: no assertion criteria provided. Collection method: clinical testing. Allele origin: germline. Affected: yes. Not counted in ClinVar's aggregate classification.
Comment: DNA sequence analysis of the RPGRIP1L gene also demonstrated a sequence change, c.632T>A, which results in the creation of a premature stop codon at amino acid position 211, p.Leu211*. This likely pathogenic sequence change is predicted to result in an abnormal transcript, which may be degraded, or may lead to the production of a truncated RPGRIP1L protein with potentially abnormal function. This sequence change has not been described in the population databases such as ExAC and gnomAD. This likely pathogenic sequence change has also not been previously described in individuals with RPGRIP1L-related disorders, however other truncating variants both downstream and upstream have been reported (PMID: 17558409, 23351400, 17558407). Collectively these evidences indicate that the c.632T>A variant is likely pathogenic. Bi-allelic pathogenic sequence changes in RPGRIP1L are associated with autosomal recessive ciliopathies including Joubert syndrome 7 and Meckel syndrome 5 (OMIM#611560, OMIM#611561). RPGRIP1L-related disorders are characterized by a variable spectrum of phenotypes which may include hypotonia, developmental delay, ataxia, renal disease and ocular abnormalities. Additionally, a “molar tooth sign” brain stem malformation is frequently seen on MRI (PMID: 17558409, 17558407). The RPGRIP1L cDNA reference sequence used is NM_015272.4.

Literature cited by the submitters: PubMed 17558409 (cited by Labcorp Genetics (formerly Invitae), Labcorp).

NM_015272.5(RPGRIP1L):c.632T>A (p.Leu211Ter)

Gene: RPGRIP1L (RPGRIP1 like; minus strand). Cytogenetic location: 16q12.2.
Variant type: single nucleotide variant.
Coding change: c.632T>A on transcript NM_015272.5 (MANE Select); coding-DNA position 632, T replaced by A.
Protein change: p.Leu211Ter; replaces leucine 211 with a stop codon.
Molecular consequence: nonsense.
Genome position (GRCh38, 1-based): chr16:53,687,863, A>T on the plus strand (T>A on the coding strand, the complement: RPGRIP1L is on the minus strand). VCF-style: chr16-53687863-A-T. GRCh37 (hg19) VCF-style: chr16-53721775-A-T.
Other names: c.632T>A (NM_015272.4); c.632T>A, p.Leu211Ter (NM_001127897.4, NM_001308334.3, NM_001330538.2); short protein forms L211*.
Identifiers: ClinVar variation 1983613 (VCV001983613.8), dbSNP rs1970129424, ClinGen allele CA395924364.
Genomic context (GRCh38, chr16:53,687,863, plus strand): 5'-AAAAAAAAAGACATTATCAATAACCAAAGTTCTCAAATTACCACAAAAAAGAACACATAC[A>T]AATTTCTTATTTCTCCTCTGGCTTCTTCAAGTAAACTGTTGCCATATTTTGTAAACATGG-3'